The following is an entry in ClinVar:

NM_003331.5(TYK2):c.125C>T (p.Pro42Leu)

Gene: TYK2 (tyrosine kinase 2; minus strand). Cytogenetic location: 19p13.2.
Variant type: single nucleotide variant.
Coding change: c.125C>T on transcript NM_003331.5 (MANE Select); coding-DNA position 125, C replaced by T.
Protein change: p.Pro42Leu; replaces proline 42 with leucine.
Molecular consequence: missense variant.
Genome position (GRCh38, 1-based): chr19:10,378,282, G>A on the plus strand (C>T on the coding strand, the complement: TYK2 is on the minus strand). VCF-style: chr19-10378282-G-A. GRCh37 (hg19) VCF-style: chr19-10488958-G-A.
Other names: c.125C>T, p.Pro42Leu (NM_001385197.1, NM_001385198.1, NM_001385199.1 and 8 more transcripts); short protein forms P42L.
Identifiers: ClinVar variation 1436852 (VCV001436852.8), dbSNP rs761736148, ClinGen allele CA9193881.

ClinVar aggregate classification (germline): Uncertain significance (1 of 4 stars; one submission).

Conditions:
Immunodeficiency 35 (IMD35). Also called: HIES WITH ATYPICAL MYCOBACTERIOSIS, AUTOSOMAL RECESSIVE; HYPER-IgE SYNDROME WITH ATYPICAL MYCOBACTERIOSIS, AUTOSOMAL RECESSIVE; Susceptibility to infection due to TYK2 deficiency; TYK2 DEFICIENCY. Identifiers: Orphanet 331226, MedGen C1969086, MONDO:0012682, OMIM 611521.

Allele frequency attached by ClinVar (database versions not stated): ExAC 0.00001; gnomAD exomes 0.00001; 1000 Genomes Project 30x 0.00031.

Submission:

Labcorp Genetics (formerly Invitae), Labcorp
Classification: Uncertain significance for Immunodeficiency 35. Last evaluated: 2021-07-27. Review status: criteria provided, single submitter. Criteria: Invitae Variant Classification Sherloc (09022015). Collection method: clinical testing. Allele origin: germline.
Comment: In summary, the available evidence is currently insufficient to determine the role of this variant in disease. Therefore, it has been classified as a Variant of Uncertain Significance. Algorithms developed to predict the effect of missense changes on protein structure and function are either unavailable or do not agree on the potential impact of this missense change (SIFT: "Not Available"; PolyPhen-2: "Benign"; Align-GVGD: "Not Available"). This variant has not been reported in the literature in individuals affected with TYK2-related conditions. This variant is present in population databases (rs761736148, ExAC 0.006%). This sequence change replaces proline with leucine at codon 42 of the TYK2 protein (p.Pro42Leu). The proline residue is moderately conserved and there is a moderate physicochemical difference between proline and leucine.